The following is an entry in ClinVar:

NM_000341.4(SLC3A1):c.822T>C (p.Tyr274=)

Gene: SLC3A1 (solute carrier family 3 member 1; plus strand). Cytogenetic location: 2p21.
Variant type: single nucleotide variant.
Coding change: c.822T>C on transcript NM_000341.4 (MANE Select); coding-DNA position 822, T replaced by C.
Protein change: p.Tyr274=; no amino-acid change (tyrosine 274 retained).
Molecular consequence: synonymous variant.
Genome position (GRCh38, 1-based): chr2:44,286,088, T>C. VCF-style: chr2-44286088-T-C. GRCh37 (hg19) VCF-style: chr2-44513227-T-C.
Identifiers: ClinVar variation 3342082 (VCV003342082.16).

ClinVar aggregate classification (germline): Likely benign (1 of 4 stars; one submission).

Submission:

CeGaT Center for Human Genetics Tuebingen
Classification: Likely benign. Last evaluated: 2024-08-01. Review status: criteria provided, single submitter. Criteria: CeGaT Center For Human Genetics Tuebingen Variant Classification Criteria Version 2. Collection method: clinical testing. Allele origin: germline. Affected: yes. Observed: 1 variant allele.
Comment: SLC3A1: PM2:Supporting, BP4, BP7